The following is an entry in ClinVar:

ClinVar aggregate classification (germline): Likely benign. Review status: criteria provided, multiple submitters, no conflicts (2 of 4 stars). 2 submissions from 2 submitters: Likely benign (2). Last evaluated 2025-08-21.

Conditions:
Charcot-Marie-Tooth disease axonal type 2O. Also called: CHARCOT-MARIE-TOOTH NEUROPATHY, AXONAL, TYPE 2O; CHARCOT-MARIE-TOOTH DISEASE, AXONAL, AUTOSOMAL DOMINANT, TYPE 2O; Charcot-Marie-Tooth Neuropathy Type 2O; Charcot-Marie-Tooth disease, axonal, type 20. Identifiers: Orphanet 284232, MedGen C3280220, MONDO:0013644, OMIM 614228.

Allele frequency attached by ClinVar (database versions not stated): TOPMed 0.00003; ESP Exome Variant Server 0.00008.
gnomAD v4.1: 20 of 1,614,054 alleles (0.0012%); highest among the groups gnomAD compares: African/African-American, 0.0027%; no homozygotes.

Submissions (2):

Labcorp Genetics (formerly Invitae), Labcorp
Classification: Likely benign for Charcot-Marie-Tooth disease axonal type 2O. Last evaluated: 2025-08-21. Review status: criteria provided, single submitter. Criteria: Invitae Variant Classification Sherloc (09022015). Collection method: clinical testing. Allele origin: germline.

GeneDx
Classification: Likely benign. Last evaluated: 2017-01-31. Review status: criteria provided, single submitter. Criteria: GeneDx Variant Classification (06012015). Collection method: clinical testing. Allele origin: germline. Affected: yes.
Comment: This variant is considered likely benign or benign based on one or more of the following criteria: it is a conservative change, it occurs at a poorly conserved position in the protein, it is predicted to be benign by multiple in silico algorithms, and/or has population frequency not consistent with disease.

NM_001376.5(DYNC1H1):c.9402G>T (p.Pro3134=)

Genes: DYNC1H1 (dynein cytoplasmic 1 heavy chain 1; plus strand), LOC126862060 (BRD4-independent group 4 enhancer GRCh37_chr14:102493659-102494858; plus strand). Cytogenetic location: 14q32.31.
Variant type: single nucleotide variant.
Coding change: c.9402G>T on transcript NM_001376.5 (MANE Select); coding-DNA position 9402, G replaced by T.
Protein change: p.Pro3134=; no amino-acid change (proline 3134 retained).
Molecular consequence: synonymous variant.
Genome position (GRCh38, 1-based): chr14:102,028,075, G>T. VCF-style: chr14-102028075-G-T. GRCh37 (hg19) VCF-style: chr14-102494412-G-T.
Identifiers: ClinVar variation 507107 (VCV000507107.10), dbSNP rs145095254, ClinGen allele CA266962928.